The following is an entry in ClinVar:

ClinVar aggregate classification (germline): Pathogenic (1 of 4 stars; one submission).

Conditions:
Neurofibromatosis, type 1 (NF1). Also called: VON RECKLINGHAUSEN DISEASE; NEUROFIBROMATOSIS, TYPE I, SOMATIC; Peripheral type neurofibromatosis; Neurofibromatosis, type I. Identifiers: Orphanet 636, MedGen C0027831, MONDO:0018975, OMIM 162200. Disease mechanism: loss of function.

Submission:

Labcorp Genetics (formerly Invitae), Labcorp
Classification: Pathogenic for Neurofibromatosis, type 1. Last evaluated: 2019-11-23. Review status: criteria provided, single submitter. Criteria: Invitae Variant Classification Sherloc (09022015). Collection method: clinical testing. Allele origin: germline.
Comment: This variant has not been reported in the literature in individuals with NF1-related conditions. This sequence change creates a premature translational stop signal (p.Gly1842Alafs*18) in the NF1 gene. It is expected to result in an absent or disrupted protein product. This variant is not present in population databases (ExAC no frequency). Loss-of-function variants in NF1 are known to be pathogenic (PMID: 10712197, 23913538). For these reasons, this variant has been classified as Pathogenic.

Literature cited by the submitters: PubMed 10712197; PubMed 23913538.

NM_001042492.3(NF1):c.5586del (p.Gly1863fs)

Gene: NF1 (neurofibromin 1; plus strand). Cytogenetic location: 17q11.2.
Variant type: Deletion.
Coding change: c.5586del on transcript NM_001042492.3 (MANE Select); coding-DNA position 5586, one base deleted (A; older notation c.5586delA).
Protein change: p.Gly1863fs; shifts the reading frame from glycine 1863.
Molecular consequence: frameshift variant.
Genome position (GRCh38, 1-based): chr17:31,327,816, A deleted. VCF-style (leftmost placement, unchanged base first): chr17-31327815-TA-T. GRCh37 (hg19) VCF-style: chr17-29654833-TA-T.
Other names: c.5523delA (NM_000267.3); c.5523delA, p.Gly1842Alafs (NM_000267.4); short protein forms G1842fs, G1863fs.
Identifiers: ClinVar variation 457754 (VCV000457754.7), dbSNP rs1555533648, ClinGen allele CA658658552.